The following is an entry in ClinVar:

NM_000179.3(MSH6):c.1233G>C (p.Arg411Ser)

Gene: MSH6 (mutS homolog 6; plus strand). Cytogenetic location: 2p16.3.
Variant type: single nucleotide variant.
Coding change: c.1233G>C on transcript NM_000179.3 (MANE Select); coding-DNA position 1233, G replaced by C.
Protein change: p.Arg411Ser; replaces arginine 411 with serine.
Molecular consequence: missense variant.
Genome position (GRCh38, 1-based): chr2:47,799,216, G>C. VCF-style: chr2-47799216-G-C. GRCh37 (hg19) VCF-style: chr2-48026355-G-C.
Other names: c.843G>C, p.Arg281Ser (NM_001281492.2); c.327G>C, p.Arg109Ser (NM_001281493.2, NM_001281494.2); short protein forms R411S, R109S, R281S.
Identifiers: ClinVar variation 568478 (VCV000568478.9), dbSNP rs554843104, ClinGen allele CA346743667.

ClinVar aggregate classification (germline): Uncertain significance (1 of 4 stars; one submission).

Conditions:
Hereditary nonpolyposis colorectal neoplasms. Identifiers: MedGen C0009405, MeSH D003123.

Submission:

Labcorp Genetics (formerly Invitae), Labcorp
Classification: Uncertain significance for Hereditary nonpolyposis colorectal neoplasms. Last evaluated: 2022-08-16. Review status: criteria provided, single submitter. Criteria: Invitae Variant Classification Sherloc (09022015). Collection method: clinical testing. Allele origin: germline.
Comment: In summary, the available evidence is currently insufficient to determine the role of this variant in disease. Therefore, it has been classified as a Variant of Uncertain Significance. Algorithms developed to predict the effect of missense changes on protein structure and function are either unavailable or do not agree on the potential impact of this missense change (SIFT: "Deleterious"; PolyPhen-2: "Benign"; Align-GVGD: "Class C35"). ClinVar contains an entry for this variant (Variation ID: 568478). This variant has not been reported in the literature in individuals affected with MSH6-related conditions. This variant is not present in population databases (gnomAD no frequency). This sequence change replaces arginine, which is basic and polar, with serine, which is neutral and polar, at codon 411 of the MSH6 protein (p.Arg411Ser).